The following continues an entry in ClinVar:

NM_007294.4(BRCA1):c.798_799del (p.Ser267fs)

Gene: BRCA1. ClinVar aggregate classification (germline): Pathogenic. Pathogenic (1).

Submissions 8 to 27 of 27:

Quest Diagnostics Nichols Institute San Juan Capistrano
Classification: Pathogenic. Last evaluated: 2023-07-14. Review status: criteria provided, single submitter. Criteria: Quest Diagnostics criteria. Collection method: clinical testing. Allele origin: unknown. Not counted in ClinVar's aggregate classification.
Comment: The BRCA1 c.798_799del (p.Ser267Lysfs*19) variant alters the translational reading frame of the BRCA1 mRNA and causes the premature termination of BRCA1 protein synthesis. This variant has been reported in the published literature in multiple individuals and families with breast and/or ovarian cancer and described as a possible North African founder mutation (PMID: 29907814 (2018), 27062684 (2016), 26010302 (2016), 23289006 (2013), 21603858 (2012), 22006311 (2011), 7493024 (1995)). This variant is also reported in an individual with pancreatic cancer (PMID: 29506128 (2018)). This variant has not been reported in large, multi-ethnic general populations (Genome Aggregation Database). Based on the available information, this variant is classified as pathogenic.

Revvity Omics, Revvity
Classification: Pathogenic. Last evaluated: 2022-07-13. Review status: criteria provided, single submitter. Criteria: ACMG Guidelines, 2015. Collection method: clinical testing. Allele origin: germline. Not counted in ClinVar's aggregate classification.

Fulgent Genetics
Classification: Pathogenic for Familial cancer of breast; Breast-ovarian cancer, familial, susceptibility to, 1; Pancreatic cancer, susceptibility to, 4; Fanconi anemia, complementation group S. Last evaluated: 2021-09-09. Review status: criteria provided, single submitter. Criteria: ACMG Guidelines, 2015. Collection method: clinical testing. Allele origin: unknown. Not counted in ClinVar's aggregate classification.

CHEO Genetics Diagnostic Laboratory, Children's Hospital of Eastern Ontario
Classification: Pathogenic for Breast and/or ovarian cancer. Last evaluated: 2021-06-11. Review status: criteria provided, single submitter. Criteria: ACMG Guidelines, 2015. Collection method: clinical testing. Allele origin: germline. Not counted in ClinVar's aggregate classification.

Women's Health and Genetics/Laboratory Corporation of America, LabCorp
Classification: Pathogenic for Hereditary breast and ovarian cancer syndrome. Last evaluated: 2020-10-26. Review status: criteria provided, single submitter. Criteria: LabCorp Variant Classification Summary - May 2015. Collection method: clinical testing. Allele origin: germline. Not counted in ClinVar's aggregate classification.
Comment: Variant summary: BRCA1 c.798_799delTT (p.Ser267LysfsX19) results in a premature termination codon, predicted to cause a truncation of the encoded protein or absence of the protein due to nonsense mediated decay, which are commonly known mechanisms for disease. Truncations downstream of this position have been classified as pathogenic by our laboratory. The variant was absent in 250012 control chromosomes. c.798_799delTT has been reported in the literature in multiple individuals affected with Hereditary Breast And Ovarian Cancer Syndrome (example, Rebbeck_2018). These data indicate that the variant is very likely to be associated with disease. To our knowledge, no experimental evidence demonstrating an impact on protein function has been reported. Eleven clinical diagnostic laboratories and one expert panel (ENIGMA) have submitted clinical-significance assessments for this variant to ClinVar after 2014 without evidence for independent evaluation. All submitters classified the variant as pathogenic. Based on the evidence outlined above, the variant was classified as pathogenic.

Mendelics
Classification: Pathogenic for Breast-ovarian cancer, familial, susceptibility to, 1. Last evaluated: 2019-05-28. Review status: criteria provided, single submitter. Criteria: Mendelics Assertion Criteria 2017. Collection method: clinical testing. Allele origin: unknown. Not counted in ClinVar's aggregate classification.

Laboratory for Molecular Medicine, Mass General Brigham Personalized Medicine
Classification: Pathogenic for Hereditary breast ovarian cancer syndrome. Last evaluated: 2018-03-01. Review status: criteria provided, single submitter. Criteria: LMM Criteria. Collection method: clinical testing. Allele origin: germline. Inheritance: Autosomal dominant inheritance. Observed: 1 variant allele. Not counted in ClinVar's aggregate classification.
Comment: The p.Ser267fs variant in BRCA1 has been reported in over 30 individuals with he reditary breast and/or ovarian cancer (HBOC), segregated with disease in one fam ily, and is reported to be a North African founder variant (Laraqui 2013, Mahfou dh 2012, Cherbal 2010, BIC database). This variant was absent from large population studies. It is predicted to cause a fra meshift, which alters the protein?s amino acid sequence beginning at position 26 7 and leads to a premature termination codon 19 amino acids downstream. This alt eration is then predicted to lead to a truncated or absent protein. Heterozygous loss of function of the BRCA1 gene is an established disease mechanism in indiv iduals with HBOC. In addition, this variant has been classified as pathogenic on April 22, 2016 by the ClinGen-approved ENIGMA expert panel (ClinVar SCV00028235 0.1). In summary, this variant meets criteria to be classified as pathogenic for HBOC in an autosomal dominant manner based upon absence from controls, presence in multiple affected individuals, and predicted impact on the protein. ACMG/AMP Criteria applied (Richards 2015): PVS1; PS4; PM2.

ARUP Laboratories, Molecular Genetics and Genomics, ARUP Laboratories
Classification: Pathogenic. Last evaluated: 2016-09-19. Review status: criteria provided, single submitter. Criteria: ARUP Molecular Germline Variant Investigation Process. Collection method: clinical testing. Allele origin: germline. Not counted in ClinVar's aggregate classification.

Consortium of Investigators of Modifiers of BRCA1/2 (CIMBA), c/o University of Cambridge
Classification: Pathogenic for Breast-ovarian cancer, familial, susceptibility to, 1. Last evaluated: 2015-10-02. Review status: criteria provided, single submitter. Criteria: CIMBA Mutation Classification guidelines May 2016. Collection method: clinical testing. Allele origin: germline. Not counted in ClinVar's aggregate classification.

University of Science and Technology Houari Boumediene, Laboratory of Molecular and Cellular Biology (LBCM)
Classification: Pathogenic for Breast-ovarian cancer, familial, susceptibility to, 1. Review status: criteria provided, single submitter. Criteria: ACMG Guidelines, 2015. Collection method: clinical testing. Allele origin: germline. Inheritance: Autosomal dominant inheritance. Affected: yes. Observed: 3 heterozygotes. Not counted in ClinVar's aggregate classification.

BRCAlab, Lund University
Classification: Pathogenic for Breast-ovarian cancer, familial, susceptibility to, 1. Last evaluated: 2022-08-26. Review status: no assertion criteria provided. Collection method: clinical testing. Allele origin: germline. Affected: yes. Not counted in ClinVar's aggregate classification.

Center of Medical Genetics and Primary Health Care
Classification: Pathogenic for Familial Breast cancer. Last evaluated: 2020-04-08. Review status: no assertion criteria provided. Collection method: research. Allele origin: germline. Inheritance: Autosomal dominant inheritance. Affected: yes. Observed: 1 heterozygote. Not counted in ClinVar's aggregate classification.
Comment: ACMG Guidelines 2015 criteria The BRCA1 p.Ser267Lysfs is a known pathogenic frameshift variant in exon 11 in a non-functional domain just before the serine-rich domain (A344-507R aa) and many other downstream domains. This null variant (frame-shift) is predicted to encode a truncated non-functional protein, and heterozygous loss of function of the BRCA1 gene is an established disease mechanism in hereditary breast and ovarian cancer (PVS1 Pathogenic Very Strong). It is found in a mutational hotspot of 29 pathogenic variants (PM1 Pathogenic Moderate). The variant is not found in GnomAD exomes neither in GnomAD genomes (PM2 Pathogenic Moderate). The variant has been classified as pathogenic by the ClinGen-approved ENIGMA expert panel (ClinVar SCV00028235.01) (PP5 Pathogenic Supporting). 1 pathogenic prediction from GERP versus no benign prediction supports its deleterious effect (PP3 Pathogenic Supporting). Therefore, this variant was classified as a Pathogenic.

CZECANCA consortium
Classification: Pathogenic for Breast and/or ovarian cancer. Last evaluated: 2019-06-11. Review status: no assertion criteria provided. Collection method: clinical testing. Allele origin: germline. Affected: yes. Observed: 1 variant allele. Not counted in ClinVar's aggregate classification.

Counsyl
Classification: Likely pathogenic for Breast-ovarian cancer, familial 1. Last evaluated: 2014-06-17. Review status: no assertion criteria provided. Collection method: literature only. Allele origin: unknown. Inheritance: Autosomal dominant inheritance. Not counted in ClinVar's aggregate classification.

Research Molecular Genetics Laboratory, Women's College Hospital, University of Toronto
Classification: Pathogenic for Hereditary breast ovarian cancer syndrome. Last evaluated: 2014-01-31. Review status: no assertion criteria provided. Collection method: research. Allele origin: germline. Affected: yes. Study: The Canadian Open Genetics Repository (COGR). Not counted in ClinVar's aggregate classification.

Sharing Clinical Reports Project (SCRP)
Classification: Pathogenic for Breast-ovarian cancer, familial 1. Last evaluated: 2012-05-21. Review status: no assertion criteria provided. Collection method: clinical testing. Allele origin: germline. Not counted in ClinVar's aggregate classification.

Breast Cancer Information Core (BIC) (BRCA1)
Classification: Pathogenic for Breast-ovarian cancer, familial 1. Last evaluated: 2002-05-29. Review status: no assertion criteria provided. Collection method: clinical testing. Allele origin: germline. Affected: yes. Observed: 28 variant alleles. Not counted in ClinVar's aggregate classification.

Foulkes Cancer Genetics LDI, Lady Davis Institute for Medical Research
Classification: Pathogenic for Breast and/or ovarian cancer. Last evaluated: 1997-05-22. Review status: no assertion criteria provided. Collection method: clinical testing. Allele origin: germline. Study: The Canadian Open Genetics Repository (COGR). Not counted in ClinVar's aggregate classification.

Diagnostic Laboratory, Department of Genetics, University Medical Center Groningen
Classification: Pathogenic. Review status: no assertion criteria provided. Collection method: clinical testing. Allele origin: germline. Affected: yes. Study: VKGL Data-share Consensus. Not counted in ClinVar's aggregate classification.

Laboratory of Diagnostic Genome Analysis, Leiden University Medical Center (LUMC)
Classification: Pathogenic. Review status: no assertion criteria provided. Collection method: clinical testing. Allele origin: germline. Affected: yes. Study: VKGL Data-share Consensus. Not counted in ClinVar's aggregate classification.

Literature cited by the submitters: PubMed 7493024 (cited by 4 submitters); PubMed 21324516 (cited by 3 submitters); PubMed 21603858 (cited by 8 submitters); PubMed 23289006 (cited by 8 submitters); PubMed 27062684 (cited by 5 submitters); PubMed 29506128 (cited by Ambry Genetics and Quest Diagnostics Nichols Institute San Juan Capistrano); PubMed 29907814 (cited by 4 submitters); PubMed 20104584 (cited by Labcorp Genetics (formerly Invitae), Labcorp); PubMed 2206311 (cited by Labcorp Genetics (formerly Invitae), Labcorp); PubMed 17221156 (cited by 5 submitters); PubMed 18159056 (cited by 5 submitters); PubMed 18645608 (cited by 5 submitters); PubMed 23233716 (cited by Labcorp Genetics (formerly Invitae), Labcorp and Quest Diagnostics Nichols Institute San Juan Capistrano); PubMed 24312913 (cited by 3 submitters); PubMed 25814778 (cited by 4 submitters); PubMed 26010302 (cited by Labcorp Genetics (formerly Invitae), Labcorp and Quest Diagnostics Nichols Institute San Juan Capistrano); PubMed 26864382 (cited by Labcorp Genetics (formerly Invitae), Labcorp); PubMed 20683152 (cited by 6 submitters); PubMed 24606420 (cited by All of Us Research Program, National Institutes of Health and Color Diagnostics, LLC DBA Color Health); PubMed 29446198 (cited by Quest Diagnostics Nichols Institute San Juan Capistrano and Women's Health and Genetics/Laboratory Corporation of America, LabCorp); PubMed 22006311 (cited by Quest Diagnostics Nichols Institute San Juan Capistrano); PubMed 12393792 (cited by Quest Diagnostics Nichols Institute San Juan Capistrano and Counsyl); PubMed 22684231 (cited by Quest Diagnostics Nichols Institute San Juan Capistrano); PubMed 26295337 (cited by Quest Diagnostics Nichols Institute San Juan Capistrano); PubMed 23961350 (cited by Women's Health and Genetics/Laboratory Corporation of America, LabCorp); PubMed 32295079 (cited by CZECANCA consortium); PubMed 22425665 (cited by Counsyl).